The following is an entry in ClinVar:

NM_015001.3(SPEN):c.8792T>C (p.Val2931Ala)

Gene: SPEN (spen family transcriptional repressor; plus strand). Cytogenetic location: 1p36.13.
Variant type: single nucleotide variant.
Coding change: c.8792T>C on transcript NM_015001.3 (MANE Select); coding-DNA position 8792, T replaced by C.
Protein change: p.Val2931Ala; replaces valine 2931 with alanine.
Molecular consequence: missense variant.
Genome position (GRCh38, 1-based): chr1:15,935,032, T>C. VCF-style: chr1-15935032-T-C. GRCh37 (hg19) VCF-style: chr1-16261527-T-C.
Other names: short protein forms V2931A.
Identifiers: ClinVar variation 5009530 (VCV005009530.1).
Genomic context (GRCh38, chr1:15,935,032, plus strand): 5'-AGCCCGAGCCCATTCACCTCTCGGTGTCCACGCCTGTCACCCAGGGAGGCACAGTGAAGG[T>C]TCTCACCCAGGGGATCAACACACCCCCTGTGCTGGTTCACAACCAGCTGGTCCTCACCCC-3'
Protein context (NP_055816.2, residues 2921-2941): TPVTQGGTVK[Val2931Ala]LTQGINTPPV

ClinVar aggregate classification (germline): Uncertain significance (1 of 4 stars; one submission).

Submission:

GeneDx
Classification: Uncertain significance. Last evaluated: 2026-03-21. Review status: criteria provided, single submitter. Criteria: GeneDx Variant Classification Process June 2021. Collection method: clinical testing. Allele origin: germline.
Comment: Not observed at significant frequency in large population cohorts (gnomAD); In silico analysis suggests that this missense variant does not alter protein structure/function; Has not been previously published as pathogenic or benign to our knowledge